The following is an entry in ClinVar:

NM_002519.3(NPAT):c.2078C>T (p.Thr693Ile)

Gene: NPAT (nuclear protein, coactivator of histone transcription; minus strand). Cytogenetic location: 11q22.3.
Variant type: single nucleotide variant.
Coding change: c.2078C>T on transcript NM_002519.3 (MANE Select); coding-DNA position 2078, C replaced by T.
Protein change: p.Thr693Ile; replaces threonine 693 with isoleucine.
Molecular consequence: missense variant.
Genome position (GRCh38, 1-based): chr11:108,172,906, G>A on the plus strand (C>T on the coding strand, the complement: NPAT is on the minus strand). VCF-style: chr11-108172906-G-A. GRCh37 (hg19) VCF-style: chr11-108043633-G-A.
Other names: c.2078C>T, p.Thr693Ile (NM_001321307.1); short protein forms T693I.
Identifiers: ClinVar variation 2496670 (VCV002496670.2), dbSNP rs768077650, ClinGen allele CA6263886.

ClinVar aggregate classification (germline): Uncertain significance (1 of 4 stars; one submission).

Allele frequency attached by ClinVar (database versions not stated): TOPMed below 0.00001; gnomAD 0.00001.
gnomAD v4.1: 2 of 1,613,996 alleles (0.00012%); highest among the groups gnomAD compares: Non-Finnish European, 0.00017%; no homozygotes.

Submission:

Ambry Genetics
Classification: Uncertain significance. Last evaluated: 2022-11-06. Review status: criteria provided, single submitter. Criteria: Ambry Variant Classification Scheme 2023. Collection method: clinical testing. Allele origin: germline.
Comment: The p.T693I variant (also known as c.2078C>T), located in coding exon 13 of the NPAT gene, results from a C to T substitution at nucleotide position 2078. The threonine at codon 693 is replaced by isoleucine, an amino acid with similar properties. This amino acid position is conserved. In addition, this alteration is predicted to be tolerated by in silico analysis. Since supporting evidence is limited at this time, the clinical significance of this alteration remains unclear.